The following is an entry in ClinVar:

NC_000015.10:g.84817054C>A

Gene: ALPK3 (alpha kinase 3; plus strand). Cytogenetic location: 15q25.3.
Variant type: single nucleotide variant.
Genome position: GRCh38 VCF-style: chr15-84817054-C-A. GRCh37 (hg19) VCF-style: chr15-85360285-C-A.
Other names: short protein forms Q70K.
Identifiers: ClinVar variation 1720754 (VCV001720754.8), dbSNP rs1001102638, ClinGen allele CA273650643.
Genomic context (GRCh38, chr15:84,817,054, plus strand): 5'-CTGGCTCCCCTGGCCCCGGCCAGGCCTCGTGGACCCCTCATATGCCACACGGGACATGAG[C>A]AGGCCGGCCGGGAGCCGGGTCCCGGGAGCTCCACGAAGGGGCCTGTCCTCCATGACCAGG-3'

ClinVar aggregate classification (germline): Uncertain significance. Review status: criteria provided, multiple submitters, no conflicts (2 of 4 stars). 2 submissions from 2 submitters: Uncertain significance (2). Last evaluated 2024-04-24.

Conditions:
Cardiovascular phenotype. Identifiers: MedGen CN230736.

Allele frequency attached by ClinVar (database versions not stated): TOPMed below 0.00001.

Submissions (2):

Labcorp Genetics (formerly Invitae), Labcorp
Classification: Uncertain significance. Last evaluated: 2024-04-24. Review status: criteria provided, single submitter. Criteria: Invitae Variant Classification Sherloc (09022015). Collection method: clinical testing. Allele origin: germline.
Comment: This sequence change replaces glutamine, which is neutral and polar, with lysine, which is basic and polar, at codon 70 of the ALPK3 protein (p.Gln70Lys). This variant is not present in population databases (gnomAD no frequency). This variant has not been reported in the literature in individuals affected with ALPK3-related conditions. ClinVar contains an entry for this variant (Variation ID: 1720754). An algorithm developed to predict the effect of missense changes on protein structure and function (PolyPhen-2) suggests that this variant is likely to be tolerated. In summary, the available evidence is currently insufficient to determine the role of this variant in disease. Therefore, it has been classified as a Variant of Uncertain Significance.

Ambry Genetics
Classification: Uncertain significance for Cardiovascular phenotype. Last evaluated: 2020-09-03. Review status: criteria provided, single submitter. Criteria: Ambry Variant Classification Scheme 2023. Collection method: clinical testing. Allele origin: germline.
Comment: The p.Q70K variant (also known as c.208C>A), located in coding exon 1 of the ALPK3 gene, results from a C to A substitution at nucleotide position 208. The glutamine at codon 70 is replaced by lysine, an amino acid with similar properties. This amino acid position is conserved on limited sequence alignment. In addition, this alteration is predicted to be tolerated by in silico analysis. Since supporting evidence is limited at this time, the clinical significance of this alteration remains unclear.